The following is an entry in ClinVar:

NM_004444.5(EPHB4):c.2118+2T>G

Gene: EPHB4 (EPH receptor B4; minus strand). Cytogenetic location: 7q22.1.
Variant type: single nucleotide variant.
Coding change: c.2118+2T>G on transcript NM_004444.5 (MANE Select); the canonical splice donor site of the intron after coding-DNA position 2118, T replaced by G.
Molecular consequence: splice donor variant.
Genome position (GRCh38, 1-based): chr7:100,812,745, A>C on the plus strand (T>G on the coding strand, the complement: EPHB4 is on the minus strand). VCF-style: chr7-100812745-A-C. GRCh37 (hg19) VCF-style: chr7-100410367-A-C.
Identifiers: ClinVar variation 4541320 (VCV004541320.1).

ClinVar aggregate classification (germline): Likely pathogenic (1 of 4 stars; one submission).

Submission:

Mayo Clinic Laboratories, Mayo Clinic
Classification: Likely pathogenic. Last evaluated: 2025-10-06. Review status: criteria provided, single submitter. Criteria: ACMG Guidelines, 2015. Collection method: clinical testing. Allele origin: germline. Observed: 1 variant allele.
Comment: PM2_supporting, PVS1